The following is an entry in ClinVar:

NM_020442.6(VARS2):c.574-42_574-35del

Gene: VARS2 (valyl-tRNA synthetase 2, mitochondrial; plus strand). Cytogenetic location: 6p21.33.
Variant type: Microsatellite.
Coding change: c.574-42_574-35del on transcript NM_020442.6 (MANE Select); 42 bases into the intron before coding-DNA position 574 through 35 bases into the intron before coding-DNA position 574, 8 bases deleted (AAGCAACC; older notation c.574-42_574-35delAAGCAACC).
Molecular consequence: intron variant.
Genome position (GRCh38, 1-based): chr6:30,916,110-30,916,117, AAGCAACC deleted; deleting any 8 consecutive bases within chr6:30,916,102-30,916,117 gives the same sequence; the c. name uses the placement nearest the transcript's 3' end. VCF-style (leftmost placement, unchanged base first): chr6-30916101-AAAGCAACC-A. GRCh37 (hg19) VCF-style: chr6-30883878-AAAGCAACC-A.
Other names: c.664-42_664-35del (NM_001167734.2); c.154-42_154-35del (NM_001167733.3).
Identifiers: ClinVar variation 676746 (VCV000676746.4), dbSNP rs57637932, ClinGen allele CA3705647.

ClinVar aggregate classification (germline): Benign. Review status: criteria provided, multiple submitters, no conflicts (2 of 4 stars). 3 submissions from 3 submitters: Benign (3). Last evaluated 2024-07-31.

Conditions:
Combined oxidative phosphorylation defect type 20. Also called: Combined oxidative phosphorylation deficiency 20. Identifiers: Orphanet 420728, MedGen C4014660, MONDO:0014397, OMIM 615917.

Submissions (3):

Unidad de Genómica Garrahan, Hospital de Pediatría Garrahan
Classification: Benign. Last evaluated: 2024-07-31. Review status: criteria provided, single submitter. Criteria: ACMG Guidelines, 2015. Collection method: clinical testing. Allele origin: germline. Affected: no. Observed: 91 variant alleles.
Comment: This variant is classified as Benign based on local population frequency. This variant was detected in 98% of patients studied in a panel designed for Epileptic and Developmental Encephalopathy, Progressive Myoclonus Epilepsy and Abnormal Movements and Neurodegeneration with brain iron accumulation. Number of patients: 91. Only high quality variants are reported.

Genome-Nilou Lab
Classification: Benign for Combined oxidative phosphorylation defect type 20. Last evaluated: 2021-12-05. Review status: criteria provided, single submitter. Criteria: ACMG Guidelines, 2015. Collection method: clinical testing. Allele origin: germline. Affected: no.

GeneDx
Classification: Benign. Last evaluated: 2018-06-14. Review status: criteria provided, single submitter. Criteria: GeneDx Variant Classification (06012015). Collection method: clinical testing. Allele origin: germline. Affected: yes.
Comment: This variant is considered likely benign or benign based on one or more of the following criteria: it is a conservative change, it occurs at a poorly conserved position in the protein, it is predicted to be benign by multiple in silico algorithms, and/or has population frequency not consistent with disease.